The following is an entry in ClinVar:

ClinVar aggregate classification (germline): Conflicting classifications of pathogenicity. Review status: criteria provided, conflicting classifications (1 of 4 stars). 6 submissions from 6 submitters: Uncertain significance (1); Benign (1); Likely benign (4). Last evaluated 2025-09-21.

Conditions:
Hereditary cancer-predisposing syndrome. Also called: Neoplastic Syndromes, Hereditary; Tumor predisposition; Hereditary Cancer Syndrome; Hereditary neoplastic syndrome. Identifiers: Orphanet 140162, MedGen C0027672, MeSH D009386, MONDO:0015356.
Familial cancer of breast. Also called: BREAST CANCER, FAMILIAL; hereditary breast carcinoma; Hereditary breast cancer. Identifiers: Orphanet 227535, MedGen C0346153, MONDO:0016419, OMIM 114480. Disease mechanism: loss of function.

Allele frequency attached by ClinVar (database versions not stated): gnomAD exomes below 0.00001.
gnomAD v4.1: 1 of 1,613,724 alleles (0.000062%); no homozygotes.

Submissions (6):

Labcorp Genetics (formerly Invitae), Labcorp
Classification: Likely benign for Familial cancer of breast. Last evaluated: 2025-09-21. Review status: criteria provided, single submitter. Criteria: Invitae Variant Classification Sherloc (09022015). Collection method: clinical testing. Allele origin: germline.

Center for Genomic Medicine, Rigshospitalet, Copenhagen University Hospital
Classification: Likely benign. Last evaluated: 2025-03-04. Review status: criteria provided, single submitter. Criteria: ACMG Guidelines, 2015. Collection method: clinical testing. Allele origin: germline.

Myriad Genetics, Inc.
Classification: Benign for Familial cancer of breast. Last evaluated: 2025-01-16. Review status: criteria provided, single submitter. Criteria: Myriad Autosomal Dominant, Autosomal Recessive and X-Linked Classification Criteria (2023). Collection method: clinical testing. Allele origin: unknown.
Comment: This variant is considered benign. This variant is a silent/synonymous amino acid change and it is not expected to impact splicing.

Quest Diagnostics Nichols Institute San Juan Capistrano
Classification: Uncertain significance. Last evaluated: 2022-11-04. Review status: criteria provided, single submitter. Criteria: Quest Diagnostics criteria. Collection method: clinical testing. Allele origin: unknown.
Comment: To the best of our knowledge, the variant has not been reported in the published literature. The frequency of this variant in the general population, 0.000004 (1/251202 chromosomes), is uninformative in assessment of its pathogenicity. Analysis of this variant using software algorithms for the prediction of the effect of nucleotide changes on splicing yielded predictions that this variant does not affect PALB2 mRNA splicing . Based on the available information, we are unable to determine the clinical significance of this variant.

Ambry Genetics
Classification: Likely benign for Hereditary cancer-predisposing syndrome. Last evaluated: 2021-08-23. Review status: criteria provided, single submitter. Criteria: Ambry Variant Classification Scheme 2023. Collection method: clinical testing. Allele origin: germline.

Color Diagnostics, LLC DBA Color Health
Classification: Likely benign for Hereditary cancer-predisposing syndrome. Last evaluated: 2020-02-09. Review status: criteria provided, single submitter. Criteria: ACMG Guidelines, 2015. Collection method: clinical testing. Allele origin: germline.

NM_024675.4(PALB2):c.2535T>C (p.Pro845=)

Gene: PALB2 (partner and localizer of BRCA2; minus strand). Cytogenetic location: 16p12.2.
Variant type: single nucleotide variant.
Coding change: c.2535T>C on transcript NM_024675.4 (MANE Select); coding-DNA position 2535, T replaced by C.
Protein change: p.Pro845=; no amino-acid change (proline 845 retained).
Molecular consequence: synonymous variant.
Genome position (GRCh38, 1-based): chr16:23,629,255, A>G on the plus strand (T>C on the coding strand, the complement: PALB2 is on the minus strand). VCF-style: chr16-23629255-A-G. GRCh37 (hg19) VCF-style: chr16-23640576-A-G.
Identifiers: ClinVar variation 921718 (VCV000921718.13), dbSNP rs1567216906, ClinGen allele CA494163498.